The following is an entry in ClinVar:

NM_003628.6(PKP4):c.1205G>A (p.Arg402His)

Gene: PKP4 (plakophilin 4; plus strand). Cytogenetic location: 2q24.1.
Variant type: single nucleotide variant.
Coding change: c.1205G>A on transcript NM_003628.6 (MANE Select); coding-DNA position 1205, G replaced by A.
Protein change: p.Arg402His; replaces arginine 402 with histidine.
Molecular consequence: missense variant.
Genome position (GRCh38, 1-based): chr2:158,631,804, G>A. VCF-style: chr2-158631804-G-A. GRCh37 (hg19) VCF-style: chr2-159488316-G-A.
Other names: c.1205G>A, p.Arg402His (NM_001005476.4, NM_001304969.3, NM_001304971.2 and 6 more transcripts); c.179G>A, p.Arg60His (NM_001304970.3); c.1199G>A, p.Arg400His (NM_001377222.1, NM_001377223.1, NM_001377224.1); short protein forms R60H, R400H, R402H.
Identifiers: ClinVar variation 1748652 (VCV001748652.3), dbSNP rs372850713, ClinGen allele CA1920633.

ClinVar aggregate classification (germline): Uncertain significance (1 of 4 stars; one submission).

Allele frequency attached by ClinVar (database versions not stated): gnomAD 0.00001; ExAC 0.00002; TOPMed 0.00003; ESP Exome Variant Server 0.00008.
gnomAD v4.1: 108 of 1,613,970 alleles (0.0067%); highest among the groups gnomAD compares: Non-Finnish European, 0.0084%; no homozygotes.

Submission:

Ambry Genetics
Classification: Uncertain significance. Last evaluated: 2024-10-04. Review status: criteria provided, single submitter. Criteria: Ambry Variant Classification Scheme 2023. Collection method: clinical testing. Allele origin: germline.
Comment: The p.R402H variant (also known as c.1205G>A), located in coding exon 7 of the PKP4 gene, results from a G to A substitution at nucleotide position 1205. The arginine at codon 402 is replaced by histidine, an amino acid with highly similar properties. This amino acid position is conserved. In addition, this alteration is predicted to be deleterious by in silico analysis. Since supporting evidence is limited at this time, the clinical significance of this alteration remains unclear.